The following is an entry in ClinVar:

ClinVar aggregate classification (germline): Uncertain significance. Review status: criteria provided, multiple submitters, no conflicts (2 of 4 stars). 4 submissions from 4 submitters: Uncertain significance (4). Last evaluated 2024-06-12.

Conditions:
Biotin-responsive basal ganglia disease (BTBGD). Also called: Thiamine metabolism dysfunction syndrome type 2; thiamine-responsive encephalopathy; Thiamine Transporter-2 Deficiency; Thiamine metabolism dysfunction syndrome 2 (biotin- or thiamine-responsive encephalopathy type 2); THIAMINE METABOLISM DYSFUNCTION SYNDROME 2 (BIOTIN- AND THIAMINE-RESPONSIVE TYPE). Identifiers: Orphanet 199348, Orphanet 65284, MedGen C1843807, MONDO:0011841, OMIM 607483.

Allele frequency attached by ClinVar (database versions not stated): TOPMed below 0.00001; ExAC 0.00001; gnomAD exomes 0.00001.
gnomAD v4.1: 3 of 1,614,126 alleles (0.00019%); highest among the groups gnomAD compares: Non-Finnish European, 0.00025%; no homozygotes.

Submissions (4):

Blueprint Genetics
Classification: Uncertain significance. Last evaluated: 2024-06-12. Review status: criteria provided, single submitter. Criteria: ACMG Guidelines, 2015. Collection method: clinical testing. Allele origin: germline.

Mayo Clinic Laboratories, Mayo Clinic
Classification: Uncertain significance. Last evaluated: 2023-07-12. Review status: criteria provided, single submitter. Criteria: ACMG Guidelines, 2015. Collection method: clinical testing. Allele origin: germline. Observed: 1 variant allele.
Comment: BP4, PM2_moderate

Labcorp Genetics (formerly Invitae), Labcorp
Classification: Uncertain significance for Biotin-responsive basal ganglia disease. Last evaluated: 2021-08-26. Review status: criteria provided, single submitter. Criteria: Invitae Variant Classification Sherloc (09022015). Collection method: clinical testing. Allele origin: germline.
Comment: This sequence change replaces alanine with threonine at codon 178 of the SLC19A3 protein (p.Ala178Thr). The alanine residue is moderately conserved and there is a small physicochemical difference between alanine and threonine. This variant is present in population databases (rs766950682, ExAC 0.001%). This variant has not been reported in the literature in individuals affected with SLC19A3-related conditions. Algorithms developed to predict the effect of missense changes on protein structure and function (SIFT, PolyPhen-2, Align-GVGD) all suggest that this variant is likely to be tolerated. In summary, the available evidence is currently insufficient to determine the role of this variant in disease. Therefore, it has been classified as a Variant of Uncertain Significance.

CeGaT Center for Human Genetics Tuebingen
Classification: Uncertain significance. Last evaluated: 2016-06-01. Review status: criteria provided, single submitter. Criteria: CeGaT Center For Human Genetics Tuebingen Variant Classification Criteria Version 2. Collection method: clinical testing. Allele origin: germline. Affected: yes. Observed: 1 variant allele.

NM_025243.4(SLC19A3):c.532G>A (p.Ala178Thr)

Gene: SLC19A3 (solute carrier family 19 member 3; minus strand). Cytogenetic location: 2q36.3.
Variant type: single nucleotide variant.
Coding change: c.532G>A on transcript NM_025243.4 (MANE Select); coding-DNA position 532, G replaced by A.
Protein change: p.Ala178Thr; replaces alanine 178 with threonine.
Molecular consequence: missense variant.
Genome position (GRCh38, 1-based): chr2:227,699,183, C>T on the plus strand (G>A on the coding strand, the complement: SLC19A3 is on the minus strand). VCF-style: chr2-227699183-C-T. GRCh37 (hg19) VCF-style: chr2-228563899-C-T.
Other names: p.Ala178Thr; c.532G>A, p.Ala178Thr (NM_001371411.1, NM_001371412.1); c.520G>A, p.Ala174Thr (NM_001371413.1, NM_001371414.1); short protein forms A174T, A178T.
Identifiers: ClinVar variation 809182 (VCV000809182.49), dbSNP rs766950682, ClinGen allele CA2149275.